The following is an entry in ClinVar:

ClinVar aggregate classification (germline): Uncertain significance. Review status: criteria provided, single submitter (1 of 4 stars). 2 submissions from 2 submitters: Uncertain significance (1). 1 of the submissions does not count toward it. Last evaluated 2025-06-03.

Conditions:
Inborn genetic diseases. Identifiers: MedGen C0950123, MeSH D030342.
DNAH17-related disorder. Also called: DNAH17-related condition.

Allele frequency attached by ClinVar (database versions not stated): ExAC 0.00069; gnomAD 0.00200; 1000 Genomes Project 0.00220; TOPMed 0.00225; 1000 Genomes Project 30x 0.00234; ESP Exome Variant Server 0.00257.
gnomAD v4.1: 588 of 1,613,970 alleles (0.036%); highest among the groups gnomAD compares: African/African-American, 0.68%; 2 homozygotes.

Submissions (2):

Ambry Genetics
Classification: Uncertain significance for Inborn genetic diseases. Last evaluated: 2025-06-03. Review status: criteria provided, single submitter. Criteria: Ambry Variant Classification Scheme 2023. Collection method: clinical testing. Allele origin: germline.

PreventionGenetics, part of Exact Sciences
Classification: Likely benign for DNAH17-related condition. Last evaluated: 2019-08-26. Review status: no assertion criteria provided. Collection method: clinical testing. Allele origin: germline. Not counted in ClinVar's aggregate classification.
Comment: This variant is classified as likely benign based on ACMG/AMP sequence variant interpretation guidelines (Richards et al. 2015 PMID: 25741868, with internal and published modifications).

NM_173628.4(DNAH17):c.656G>C (p.Gly219Ala)

Gene: DNAH17 (dynein axonemal heavy chain 17; minus strand). Cytogenetic location: 17q25.3.
Variant type: single nucleotide variant.
Coding change: c.656G>C on transcript NM_173628.4 (MANE Select); coding-DNA position 656, G replaced by C.
Protein change: p.Gly219Ala; replaces glycine 219 with alanine.
Molecular consequence: missense variant.
Genome position (GRCh38, 1-based): chr17:78,571,666, C>G on the plus strand (G>C on the coding strand, the complement: DNAH17 is on the minus strand). VCF-style: chr17-78571666-C-G. GRCh37 (hg19) VCF-style: chr17-76567748-C-G.
Other names: short protein forms G219A.
Identifiers: ClinVar variation 2473201 (VCV002473201.5), dbSNP rs141314799, ClinGen allele CA8805552.
Genomic context (GRCh38, chr17:78,571,666, plus strand): 5'-TTGAGGTTCAGCAGCCGAGTGTCCCAGAACTCGAACTCCACTTGGGGCAGGGGGTGCAGC[C>G]CATCCAGCAGCGCCTGGGCTGAGTCTTTGCTCAGCACATCCCGGATCTGGTGGGACCAGT-3'
Protein context (NP_775899.3, residues 209-229): SKDSAQALLD[Gly219Ala]LHPLPQVEFE